The following is an entry in ClinVar:

ClinVar aggregate classification (germline): Uncertain significance (1 of 4 stars; one submission).

Submission:

GeneDx
Classification: Uncertain significance. Last evaluated: 2024-12-04. Review status: criteria provided, single submitter. Criteria: GeneDx Variant Classification Process June 2021. Collection method: clinical testing. Allele origin: germline. Affected: yes.
Comment: Not observed at significant frequency in large population cohorts (gnomAD); In silico analysis indicates that this missense variant does not alter protein structure/function; Has not been previously published as pathogenic or benign to our knowledge

NM_006885.4(ZFHX3):c.5281C>G (p.Gln1761Glu)

Genes: ZFHX3 (zinc finger homeobox 3; minus strand), ZFHX3-AS1 (ZFHX3 antisense RNA 1; plus strand). Cytogenetic location: 16q22.2.
Variant type: single nucleotide variant.
Coding change: c.5281C>G on transcript NM_006885.4 (MANE Select); coding-DNA position 5281, C replaced by G.
Protein change: p.Gln1761Glu; replaces glutamine 1761 with glutamic acid.
Molecular consequence: missense variant.
Genome position (GRCh38, 1-based): chr16:72,797,401, G>C on the plus strand (C>G on the coding strand, the complement: ZFHX3 is on the minus strand). VCF-style: chr16-72797401-G-C. GRCh37 (hg19) VCF-style: chr16-72831300-G-C.
Other names: c.2539C>G, p.Gln847Glu (NM_001164766.2); c.5281C>G, p.Gln1761Glu (NM_001386735.1); short protein forms Q1761E, Q847E.
Identifiers: ClinVar variation 3901406 (VCV003901406.1).
Genomic context (GRCh38, chr16:72,797,401, plus strand): 5'-GGAAGTGAGGAAGGAGGGTGGGGTTAAACAGCTGAGACTGGATCAGGGCAGCCTGTTGCT[G>C]CAGCTCCTGCTGCAGGTGAGCTTGAACTTGAGCCTGGGCCTGGGCCAGCGTTTGTGCTTG-3'
Protein context (NP_008816.3, residues 1751-1771): QVQAHLQQEL[Gln1761Glu]QQAALIQSQL